The following is an entry in ClinVar:

ClinVar aggregate classification (germline): not provided (0 of 4 stars; one submission).

Conditions:
Gestational diabetes mellitus uncontrolled. Identifiers: MedGen C3532257.

Submission:

Institute of Molecular and Cell Biology, University of Tartu
No classification provided. Condition: Gestational diabetes mellitus uncontrolled. Review status: no classification provided. Collection method: case-control. Allele origin: unknown. Affected: yes. Study: Kasak2014.
Comment: The study aimed to determine the contribution of copy number variants in the genetic etiology of normal and complicated pregnancies. The samples represented (i) maternal blood DNA drawn from healthy pregnant women during 1st or 2nd trimester and (ii) maternal and paternal blood DNA drawn at term pregnancy cases representing normal and complicated gestations (severe preeclampsia, PE; gestational diabetes, GD; small-for-gestational age newborn, SGA; large-for-gestational age newborn, LGA). We performed CNV calling based on genome-wide genotyping dataset (Illumina HumanOmniExpress-24-v1 BeadChip) by applying three algorithms, QuantiSNP, GADA (Genome Alteration Detection Algorithm) and CNstream in parallel. The acquired CNV calls were merged with HD-CNV (Hotspot Detector for Copy Number Variants) program and only the CNVs predicted by at least two programs, were considered in subsequent analysis.

Literature cited by the submitters: PubMed 25666259.

NC_000008.11:g.5741877_5750275del

Variant type: Deletion.
Genome position: GRCh38: chr8:5,741,877-5,750,275. GRCh37 (hg19): chr8:5,599,399-5,607,797.
Identifiers: ClinVar variation 157092 (VCV000157092.3), ClinGen allele CA212214.